The following is an entry in ClinVar:

ClinVar aggregate classification (germline): Benign. Review status: criteria provided, multiple submitters, no conflicts (2 of 4 stars). 3 submissions from 3 submitters: Benign (3). Last evaluated 2021-05-13.

Conditions:
Oculotrichoanal syndrome (MOTA). Also called: MARLES SYNDROME; Manitoba Oculotrichoanal (MOTA) Syndrome. Identifiers: Orphanet 2717, MedGen C1855425, MONDO:0009560, OMIM 248450.

Allele frequency attached by ClinVar (database versions not stated): gnomAD exomes 0.00784; gnomAD 0.05006 and 0.05324; TOPMed 0.05657; 1000 Genomes Project 0.05671; 1000 Genomes Project 30x 0.05949.
gnomAD v4.1: 10,555 of 514,320 alleles (2.1%); highest among the groups gnomAD compares: African/African-American, 17%; 750 homozygotes.

Submissions (3):

GeneDx
Classification: Benign. Last evaluated: 2021-05-13. Review status: criteria provided, single submitter. Criteria: GeneDx Variant Classification Process June 2021. Collection method: clinical testing. Allele origin: germline. Affected: yes.

Illumina Laboratory Services, Illumina
Classification: Benign for Oculotrichoanal syndrome. Last evaluated: 2018-01-13. Review status: criteria provided, single submitter. Criteria: ICSL Variant Classification Criteria 13 December 2019. Collection method: clinical testing. Allele origin: germline.
Comment: This variant was observed in the ICSL laboratory as part of a predisposition screen in an ostensibly healthy population. It had not been previously curated by ICSL or reported in the Human Gene Mutation Database (HGMD: prior to June 1st, 2018), and was therefore a candidate for classification through an automated scoring system. Utilizing variant allele frequency, disease prevalence and penetrance estimates, and inheritance mode, an automated score was calculated to assess if this variant is too frequent to cause the disease. Based on the score and internal cut-off values, a variant classified as benign is not then subjected to further curation. The score for this variant resulted in a classification of benign for this disease.

Breakthrough Genomics
Classification: Benign. Review status: criteria provided, single submitter. Criteria: ACMG Guidelines, 2015. Collection method: not provided. Allele origin: germline. Inheritance: Autosomal recessive inheritance. Affected: yes.

NM_001379081.2(FREM1):c.-204T>G

Gene: FREM1 (FRAS1 related extracellular matrix 1; minus strand). Cytogenetic location: 9p22.3.
Variant type: single nucleotide variant.
Coding change: c.-204T>G on transcript NM_001379081.2 (MANE Select); 204 bases upstream of the start codon, T replaced by G.
Molecular consequence: 5 prime UTR variant. On other transcripts: non-coding transcript variant (4).
Genome position (GRCh38, 1-based): chr9:14,869,181, A>C on the plus strand (T>G on the coding strand, the complement: FREM1 is on the minus strand). VCF-style: chr9-14869181-A-C. GRCh37 (hg19) VCF-style: chr9-14869179-A-C.
Other names: c.-204T>G (NM_001370060.1, NM_001370063.1, NM_001370065.1 and 1 more transcripts).
Identifiers: ClinVar variation 366186 (VCV000366186.7), dbSNP rs7860346, ClinGen allele CA10627052.